The following is an entry in ClinVar:

ClinVar aggregate classification (germline): Pathogenic/Likely pathogenic. Review status: criteria provided, multiple submitters, no conflicts (2 of 4 stars). 6 submissions from 6 submitters: Pathogenic (2); Likely pathogenic (4). Last evaluated 2026-03-03.

Conditions:
Pendred syndrome (PDS). Also called: DEAFNESS WITH GOITER; GOITER-DEAFNESS SYNDROME; HYPOTHYROIDISM, CONGENITAL, DUE TO DYSHORMONOGENESIS, 2B; THYROID DYSHORMONOGENESIS 2B; THYROID HORMONOGENESIS, GENETIC DEFECT IN, 2B; Pendred's syndrome. Identifiers: Orphanet 705, MedGen C0271829, MONDO:0010134, OMIM 274600.

Submissions (6):

GeneDx
Classification: Likely pathogenic. Last evaluated: 2026-03-03. Review status: criteria provided, single submitter. Criteria: GeneDx Variant Classification Process June 2021. Collection method: clinical testing. Allele origin: germline.
Comment: Reported as heterozygous in an individual with hearing loss with enlarged vestibular aqueduct; a second variant in SLC26A4 was not identified (PMID: 21986928); Initiation codon variant predicted to alter the protein; however, a downstream in-frame Methionine residue could serve as an alternate initiator codon; Not observed at significant frequency in large population cohorts (gnomAD); This variant is associated with the following publications: (PMID: 21986928, 31581539)

Women's Health and Genetics/Laboratory Corporation of America, LabCorp
Classification: Likely pathogenic for Pendred syndrome. Last evaluated: 2025-04-23. Review status: criteria provided, single submitter. Criteria: LabCorp Variant Classification Summary - May 2015. Collection method: clinical testing. Allele origin: germline.
Comment: Variant summary: SLC26A4 c.2T>G (p.Met1Arg) alters the initiation codon and is predicted to result either in absence of the protein or truncation of the encoded protein due to translation initiation at a downstream codon. Three of four in-silico tools predict a damaging effect of the variant on protein function. The variant allele was found at a frequency of 5.8e-06 in 172798 control chromosomes (gnomAD). c.2T>G has been observed in individuals affected with hearing loss or enlarged vestibular aqueduct (Lim_2011, Wu_2019). Another start-loss variant affecting this codon has been classified as pathogenic by our lab. The following publications have been ascertained in the context of this evaluation (PMID: 21986928, 31581539). ClinVar contains an entry for this variant (Variation ID: 2136582). Based on the evidence outlined above, the variant was classified as likely pathogenic.

Natera, Inc.
Classification: Likely pathogenic for Pendred syndrome. Last evaluated: 2025-03-11. Review status: criteria provided, single submitter. Criteria: Natera Variant Classification Schema (03/2026). Collection method: clinical testing. Allele origin: germline.
Comment: The c.2T>G variant in SLC26A4 is predicted to result in start loss due to disruption of the initiator methionine. This variant is expected to result in nonsense mediated decay, truncation, or a dysfunctional protein product. This variant is rare in the general population with a frequency below the threshold expected for the associated phenotype(s). Given the available evidence, this variant is classified as Likely Pathogenic.

Myriad Genetics, Inc.
Classification: Pathogenic for Pendred syndrome. Last evaluated: 2025-02-21. Review status: criteria provided, single submitter. Criteria: Myriad Autosomal Dominant, Autosomal Recessive and X-Linked Classification Criteria (2023). Collection method: clinical testing. Allele origin: unknown.
Comment: NM_000441.1(SLC26A4):c.2T>G(M1?) is an initiation codon variant classified as pathogenic in the context of Pendred syndrome. M1? has been observed in cases with relevant disease (PMID: 30268946, 21986928). Relevant functional assessments of this variant are not available in the literature. M1? has been observed in referenced population frequency databases. In summary, NM_000441.1(SLC26A4):c.2T>G(M1?) is an initiation codon variant that has been observed more frequently in cases with the relevant disease than in healthy populations. Please note: this variant was assessed in the context of healthy population screening.

Labcorp Genetics (formerly Invitae), Labcorp
Classification: Pathogenic. Last evaluated: 2023-03-22. Review status: criteria provided, single submitter. Criteria: Invitae Variant Classification Sherloc (09022015). Collection method: clinical testing. Allele origin: germline.
Comment: For these reasons, this variant has been classified as Pathogenic. Experimental studies have shown that disruption of the initiator codon affects SLC26A4 function (PMID: 19204907). Algorithms developed to predict the effect of variants on protein structure and function are not available or were not evaluated for this variant. ClinVar contains an entry for this variant (Variation ID: 2136582). Disruption of the initiator codon has been observed in individuals with SLC26A4-related conditions (PMID: 17876604, 19204907, 21961810, 27997596). This variant is present in population databases (rs111033302, gnomAD 0.008%). This sequence change affects the initiator methionine of the SLC26A4 mRNA. The next in-frame methionine is located at codon 21.

Revvity Omics, Revvity
Classification: Likely pathogenic. Last evaluated: 2022-11-11. Review status: criteria provided, single submitter. Criteria: ACMG Guidelines, 2015. Collection method: clinical testing. Allele origin: germline.

Literature cited by the submitters: PubMed 31581539 (cited by Women's Health and Genetics/Laboratory Corporation of America, LabCorp); PubMed 21986928 (cited by Women's Health and Genetics/Laboratory Corporation of America, LabCorp and Myriad Genetics, Inc.); PubMed 30268946 (cited by Myriad Genetics, Inc.); PubMed 19204907 (cited by Labcorp Genetics (formerly Invitae), Labcorp); PubMed 17876604 (cited by Labcorp Genetics (formerly Invitae), Labcorp); PubMed 21961810 (cited by Labcorp Genetics (formerly Invitae), Labcorp); PubMed 27997596 (cited by Labcorp Genetics (formerly Invitae), Labcorp).

NM_000441.2(SLC26A4):c.2T>G (p.Met1Arg)

Genes: SLC26A4 (solute carrier family 26 member 4; plus strand), SLC26A4-AS1 (SLC26A4 antisense RNA 1; minus strand). Cytogenetic location: 7q22.3.
Variant type: single nucleotide variant.
Coding change: c.2T>G on transcript NM_000441.2 (MANE Select); coding-DNA position 2, T replaced by G.
Protein change: p.Met1Arg; changes the start codon (methionine 1).
Molecular consequence: missense variant, initiator codon variant. On other transcripts: non-coding transcript variant (1).
Genome position (GRCh38, 1-based): chr7:107,661,643, T>G. VCF-style: chr7-107661643-T-G. GRCh37 (hg19) VCF-style: chr7-107302088-T-G.
Other names: c.2T>G (NM_000441.1); short protein forms M1R.
Identifiers: ClinVar variation 2136582 (VCV002136582.13), dbSNP rs111033302, ClinGen allele CA4432347.